The following is an entry in ClinVar:

ClinVar aggregate classification (germline): Likely benign. Review status: criteria provided, single submitter (1 of 4 stars). 2 submissions from 2 submitters: Likely benign (1). 1 of the submissions does not count toward it. Last evaluated 2025-03-01.

Conditions:
CAPN15-related disorder. Also called: CAPN15-related condition.

Allele frequency attached by ClinVar (database versions not stated): 1000 Genomes Project 0.00020; ESP Exome Variant Server 0.00034; 1000 Genomes Project 30x 0.00047; ExAC 0.00047; gnomAD 0.00060; TOPMed 0.00068.
gnomAD v4.1: 1,289 of 1,537,736 alleles (0.084%); highest among the groups gnomAD compares: Non-Finnish European, 0.1%; 2 homozygotes.

Submissions (7):

CeGaT Center for Human Genetics Tuebingen
Classification: Likely benign. Last evaluated: 2025-03-01. Review status: criteria provided, single submitter. Criteria: CeGaT Center For Human Genetics Tuebingen Variant Classification Criteria Version 2. Collection method: clinical testing. Allele origin: germline. Affected: yes. Observed: 2 variant alleles.
Comment: CAPN15: BP4, BP7

PreventionGenetics, part of Exact Sciences
Classification: Likely benign for CAPN15-related condition. Last evaluated: 2019-10-28. Review status: no assertion criteria provided. Collection method: clinical testing. Allele origin: germline. Not counted in ClinVar's aggregate classification.
Comment: This variant is classified as likely benign based on ACMG/AMP sequence variant interpretation guidelines (Richards et al. 2015 PMID: 25741868, with internal and published modifications).

Dr. Peter K. Rogan Lab, Western University
No classification provided (evidence only). Condition: Lung cancer. Review status: no classification provided. Collection method: in vitro. Allele origin: not applicable. Functional consequence: retained intron. Not counted in ClinVar's aggregate classification.

Dr. Peter K. Rogan Lab, Western University
No classification provided (evidence only). Condition: Colon adenocarcinoma. Review status: no classification provided. Collection method: in vitro. Allele origin: not applicable. Functional consequence: retained intron. Not counted in ClinVar's aggregate classification.

Dr. Peter K. Rogan Lab, Western University
No classification provided (evidence only). Condition: Colorectal cancer. Review status: no classification provided. Collection method: in vitro. Allele origin: not applicable. Functional consequence: retained intron. Not counted in ClinVar's aggregate classification.

Dr. Peter K. Rogan Lab, Western University
No classification provided (evidence only). Condition: Sarcoma. Review status: no classification provided. Collection method: in vitro. Allele origin: not applicable. Functional consequence: retained intron. Not counted in ClinVar's aggregate classification.

Dr. Peter K. Rogan Lab, Western University
No classification provided (evidence only). Condition: Hepatocellular carcinoma. Review status: no classification provided. Collection method: in vitro. Allele origin: not applicable. Functional consequence: retained intron. Not counted in ClinVar's aggregate classification.

NM_005632.3(CAPN15):c.2751G>A (p.Ser917=)

Gene: CAPN15 (calpain 15; plus strand). Cytogenetic location: 16p13.3.
Variant type: single nucleotide variant.
Coding change: c.2751G>A on transcript NM_005632.3 (MANE Select); coding-DNA position 2751, G replaced by A.
Protein change: p.Ser917=; no amino-acid change (serine 917 retained).
Molecular consequence: synonymous variant.
Genome position (GRCh38, 1-based): chr16:552,618, G>A. VCF-style: chr16-552618-G-A. GRCh37 (hg19) VCF-style: chr16-602618-G-A.
Other names: NC_000016.9:g.602618G>A; c.2751G>A (NM_005632.2).
Identifiers: ClinVar variation 2645819 (VCV002645819.26), dbSNP rs201572166, ClinGen allele CA7778932.